The following is an entry in ClinVar:

ClinVar aggregate classification (germline): Uncertain significance (1 of 4 stars; one submission).

Conditions:
Inborn genetic diseases. Identifiers: MedGen C0950123, MeSH D030342.

Submission:

Ambry Genetics
Classification: Uncertain significance for Inborn genetic diseases. Last evaluated: 2024-07-06. Review status: criteria provided, single submitter. Criteria: Ambry Variant Classification Scheme 2023. Collection method: clinical testing. Allele origin: germline.
Comment: The p.M275T variant (also known as c.824T>C), located in coding exon 6 of the KRIT1 gene, results from a T to C substitution at nucleotide position 824. The methionine at codon 275 is replaced by threonine, an amino acid with similar properties. This amino acid position is conserved. In addition, the in silico prediction for this alteration is inconclusive. Based on the available evidence, the clinical significance of this variant remains unclear.

NM_194454.3(KRIT1):c.824T>C (p.Met275Thr)

Gene: KRIT1 (KRIT1 ankyrin repeat containing; minus strand). Cytogenetic location: 7q21.2.
Variant type: single nucleotide variant.
Coding change: c.824T>C on transcript NM_194454.3 (MANE Select); coding-DNA position 824, T replaced by C.
Protein change: p.Met275Thr; replaces methionine 275 with threonine.
Molecular consequence: missense variant.
Genome position (GRCh38, 1-based): chr7:92,234,829, A>G on the plus strand (T>C on the coding strand, the complement: KRIT1 is on the minus strand). VCF-style: chr7-92234829-A-G. GRCh37 (hg19) VCF-style: chr7-91864143-A-G.
Other names: c.824T>C, p.Met275Thr (NM_001013406.2, NM_001350669.1, NM_001350670.1 and 29 more transcripts); c.110T>C, p.Met37Thr (NM_001350671.1); short protein forms M37T, M275T.
Identifiers: ClinVar variation 3535776 (VCV003535776.1).